The following is an entry in ClinVar:

NM_006766.5(KAT6A):c.2350del (p.Ser784fs)

Gene: KAT6A (lysine acetyltransferase 6A; minus strand). Cytogenetic location: 8p11.21.
Variant type: Deletion.
Coding change: c.2350del on transcript NM_006766.5 (MANE Select); coding-DNA position 2350, one base deleted (T; older notation c.2350delT).
Protein change: p.Ser784fs; shifts the reading frame from serine 784.
Molecular consequence: frameshift variant.
Genome position (GRCh38, 1-based): chr8:41,942,879, A deleted on the plus strand (T on the coding strand, the reverse complement: KAT6A is on the minus strand). VCF-style (leftmost placement, unchanged base first): chr8-41942878-GA-G. GRCh37 (hg19) VCF-style: chr8-41800396-GA-G.
Other names: NP_006757.2:p.Ser784LeufsTer26; c.2350del, p.Ser784fs (NM_001305878.2); short protein forms S784fs.
Identifiers: ClinVar variation 4884872 (VCV004884872.1).

ClinVar aggregate classification (germline): Pathogenic (1 of 4 stars; one submission).

Conditions:
Autosomal dominant intellectual disability-craniofacial anomalies-cardiac defects syndrome (ARTHS). Also called: KAT6A syndrome; Arboleda-Tham syndrome; Mental retardation, autosomal dominant 32. Identifiers: Orphanet 457193, MedGen C4225396, MONDO:0014558, OMIM 616268.

Submission:

Department of Rehabilitation, Anhui Provincial Children's Hospital
Classification: Pathogenic for Autosomal dominant intellectual disability-craniofacial anomalies-cardiac defects syndrome. Last evaluated: 2026-08-19. Review status: criteria provided, single submitter. Criteria: ACMG Guidelines, 2015. Collection method: research. Allele origin: de novo. Affected: yes. Observed: 1 variant allele.
Comment: The NM_006766.5:c.2350del (p.Ser784LeufsTer26) variant causes a frameshift and premature termination in exon 14 of KAT6A and is predicted to undergo nonsense-mediated mRNA decay, resulting in loss of functional KAT6A protein (PVS1_VeryStrong). The variant is absent from gnomAD and other large population datasets (PM2_Supporting). Based on ACMG/AMP criteria with ClinGen-informed evidence weighting, this variant is classified as pathogenic.